The following is an entry in ClinVar:

ClinVar aggregate classification (germline): Uncertain significance. Review status: criteria provided, multiple submitters, no conflicts (2 of 4 stars). 3 submissions from 3 submitters: Uncertain significance (3). Last evaluated 2023-12-27.

Conditions:
Gorlin syndrome. Also called: Nevoid Basal Cell Carcinoma Syndrome; Basal cell nevus syndrome. Identifiers: Orphanet 377, MedGen C0004779, MONDO:0007187.
Basal cell carcinoma, susceptibility to, 1. Also called: BCC1. Identifiers: MedGen C2751544, MONDO:0011556, OMIM 605462.
Holoprosencephaly 7 (HPE7). Identifiers: Orphanet 2162, MedGen C1835820, MONDO:0012562, OMIM 610828.
Basal cell nevus syndrome 1 (BCNS1). Also called: GORLIN-GOLTZ SYNDROME; MULTIPLE BASAL CELL NEVI, ODONTOGENIC KERATOCYSTS, AND SKELETAL ANOMALIES. Identifiers: MedGen CN376810, MONDO:0958174, OMIM 109400.

Submissions (3):

Department of Pathology and Laboratory Medicine, Sinai Health System
Classification: Uncertain significance for Basal cell nevus syndrome 1; Basal cell carcinoma, susceptibility to, 1; Holoprosencephaly 7. Last evaluated: 2023-12-27. Review status: criteria provided, single submitter. Criteria: ACMG Guidelines, 2015. Collection method: clinical testing. Allele origin: germline. Affected: yes.

Labcorp Genetics (formerly Invitae), Labcorp
Classification: Uncertain significance for Gorlin syndrome. Last evaluated: 2023-11-24. Review status: criteria provided, single submitter. Criteria: Invitae Variant Classification Sherloc (09022015). Collection method: clinical testing. Allele origin: germline.
Comment: This sequence change replaces leucine, which is neutral and non-polar, with tryptophan, which is neutral and slightly polar, at codon 1170 of the PTCH1 protein (p.Leu1170Trp). This variant is not present in population databases (gnomAD no frequency). This variant has not been reported in the literature in individuals affected with PTCH1-related conditions. Advanced modeling of protein sequence and biophysical properties (such as structural, functional, and spatial information, amino acid conservation, physicochemical variation, residue mobility, and thermodynamic stability) performed at Invitae indicates that this missense variant is not expected to disrupt PTCH1 protein function with a negative predictive value of 95%. In summary, the available evidence is currently insufficient to determine the role of this variant in disease. Therefore, it has been classified as a Variant of Uncertain Significance.

GeneDx
Classification: Uncertain significance. Last evaluated: 2023-05-04. Review status: criteria provided, single submitter. Criteria: GeneDx Variant Classification Process June 2021. Collection method: clinical testing. Allele origin: germline. Affected: yes.
Comment: Not observed at significant frequency in large population cohorts (gnomAD); In silico analysis supports that this missense variant has a deleterious effect on protein structure/function; Has not been previously published as pathogenic or benign to our knowledge

NM_000264.5(PTCH1):c.3509T>G (p.Leu1170Trp)

Gene: PTCH1 (patched 1; minus strand). Cytogenetic location: 9q22.32.
Variant type: single nucleotide variant.
Coding change: c.3509T>G on transcript NM_000264.5 (MANE Select); coding-DNA position 3509, T replaced by G.
Protein change: p.Leu1170Trp; replaces leucine 1170 with tryptophan.
Molecular consequence: missense variant. On other transcripts: non-coding transcript variant (1).
Genome position (GRCh38, 1-based): chr9:95,449,881, A>C on the plus strand (T>G on the coding strand, the complement: PTCH1 is on the minus strand). VCF-style: chr9-95449881-A-C. GRCh37 (hg19) VCF-style: chr9-98212163-A-C.
Other names: c.3311T>G, p.Leu1104Trp (NM_001083602.3); c.3506T>G, p.Leu1169Trp (NM_001083603.3); c.3056T>G, p.Leu1019Trp (NM_001083604.3, NM_001083605.3, NM_001083606.3 and 1 more transcripts); c.3353T>G, p.Leu1118Trp (NM_001354918.2); short protein forms L1170W, L1118W, L1169W, L1019W, L1104W.
Identifiers: ClinVar variation 2698206 (VCV002698206.5), dbSNP rs2538021051, ClinGen allele CA374111517.
Genomic context (GRCh38, chr9:95,449,881, plus strand): 5'-ATCCCCGTGTCACTACTGACCTCAGGATATGGTCCAAAGAAAGACAAAAGCACGGGAAGC[A>C]AAACCAGCCCATTGAGAACGCCGAGGATGGTGAGGATCGCCAGCACAGCAAAGAAATACC-3'
Protein context (NP_000255.2, residues 1160-1180): TILGVLNGLV[Leu1170Trp]LPVLLSFFGP